The following is an entry in ClinVar:

NM_177438.3(DICER1):c.1251T>G (p.Asp417Glu)

Gene: DICER1 (dicer 1, ribonuclease III; minus strand). Cytogenetic location: 14q32.13.
Variant type: single nucleotide variant.
Coding change: c.1251T>G on transcript NM_177438.3 (MANE Select); coding-DNA position 1251, T replaced by G.
Protein change: p.Asp417Glu; replaces aspartic acid 417 with glutamic acid.
Molecular consequence: missense variant.
Genome position (GRCh38, 1-based): chr14:95,124,321, A>C on the plus strand (T>G on the coding strand, the complement: DICER1 is on the minus strand). VCF-style: chr14-95124321-A-C. GRCh37 (hg19) VCF-style: chr14-95590658-A-C.
Other names: c.1251T>G, p.Asp417Glu (NM_001195573.1, NM_001271282.3, NM_001291628.2 and 1 more transcripts); short protein forms D417E.
Identifiers: ClinVar variation 477033 (VCV000477033.12), dbSNP rs899404083, ClinGen allele CA265923281.

ClinVar aggregate classification (germline): Uncertain significance (1 of 4 stars; one submission).

Conditions:
DICER1-related tumor predisposition. Also called: DICER1-related pleuropulmonary blastoma cancer predisposition syndrome; DICER1 syndrome. Identifiers: Orphanet 284343, MedGen C3839822, MONDO:0100216.

Allele frequency attached by ClinVar (database versions not stated): gnomAD exomes below 0.00001; gnomAD 0.00001; TOPMed 0.00001.
gnomAD v4.1: 2 of 1,613,720 alleles (0.00012%); highest among the groups gnomAD compares: African/African-American, 0.0027%; no homozygotes.

Submission:

Labcorp Genetics (formerly Invitae), Labcorp
Classification: Uncertain significance for DICER1-related tumor predisposition. Last evaluated: 2025-07-31. Review status: criteria provided, single submitter. Criteria: Invitae Variant Classification Sherloc (09022015). Collection method: clinical testing. Allele origin: germline.
Comment: This sequence change replaces aspartic acid, which is acidic and polar, with glutamic acid, which is acidic and polar, at codon 417 of the DICER1 protein (p.Asp417Glu). This variant is not present in population databases (gnomAD no frequency). This variant has not been reported in the literature in individuals affected with DICER1-related conditions. ClinVar contains an entry for this variant (Variation ID: 477033). Invitae Evidence Modeling of protein sequence and biophysical properties (such as structural, functional, and spatial information, amino acid conservation, physicochemical variation, residue mobility, and thermodynamic stability) indicates that this missense variant is not expected to disrupt DICER1 protein function with a negative predictive value of 95%. In summary, the available evidence is currently insufficient to determine the role of this variant in disease. Therefore, it has been classified as a Variant of Uncertain Significance.